The following is an entry in ClinVar:

ClinVar aggregate classification (germline): Uncertain significance (1 of 4 stars; one submission).

Conditions:
Baller-Gerold syndrome (BGS). Also called: CRANIOSYNOSTOSIS WITH RADIAL DEFECTS. Identifiers: Orphanet 1225, MedGen C0265308, MONDO:0009039, OMIM 218600.

Allele frequency attached by ClinVar (database versions not stated): gnomAD 0.00001 and 0.00002; TOPMed 0.00003.

Submission:

Labcorp Genetics (formerly Invitae), Labcorp
Classification: Uncertain significance for Baller-Gerold syndrome. Last evaluated: 2024-10-09. Review status: criteria provided, single submitter. Criteria: Invitae Variant Classification Sherloc (09022015). Collection method: clinical testing. Allele origin: germline.
Comment: This sequence change replaces glutamine, which is neutral and polar, with lysine, which is basic and polar, at codon 1091 of the RECQL4 protein (p.Gln1091Lys). This variant is not present in population databases (gnomAD no frequency). This variant has not been reported in the literature in individuals affected with RECQL4-related conditions. ClinVar contains an entry for this variant (Variation ID: 956288). Invitae Evidence Modeling of protein sequence and biophysical properties (such as structural, functional, and spatial information, amino acid conservation, physicochemical variation, residue mobility, and thermodynamic stability) indicates that this missense variant is not expected to disrupt RECQL4 protein function with a negative predictive value of 80%. In summary, the available evidence is currently insufficient to determine the role of this variant in disease. Therefore, it has been classified as a Variant of Uncertain Significance.

NM_004260.4(RECQL4):c.3271C>A (p.Gln1091Lys)

Gene: RECQL4 (RecQ like helicase 4; minus strand). Cytogenetic location: 8q24.3.
Variant type: single nucleotide variant.
Coding change: c.3271C>A on transcript NM_004260.4 (MANE Select); coding-DNA position 3271, C replaced by A.
Protein change: p.Gln1091Lys; replaces glutamine 1091 with lysine.
Molecular consequence: missense variant.
Genome position (GRCh38, 1-based): chr8:144,512,033, G>T on the plus strand (C>A on the coding strand, the complement: RECQL4 is on the minus strand). VCF-style: chr8-144512033-G-T. GRCh37 (hg19) VCF-style: chr8-145737416-G-T.
Other names: short protein forms Q1091K.
Identifiers: ClinVar variation 956288 (VCV000956288.5), dbSNP rs137853230, ClinGen allele CA372669106.